The following is an entry in ClinVar:

Single allele

Variant type: Duplication.
Identifiers: ClinVar variation 157163 (VCV000157163.2).

ClinVar aggregate classification (germline): not provided. Review status: no classification provided (0 of 4 stars). 2 submissions from 1 submitter: not provided (2).

Conditions:
Preeclampsia. Identifiers: Orphanet 275555, MedGen C0032914, MONDO:0005081, HP:0100602.
Large for gestational age. Identifiers: MedGen C1848395, HP:0001520.

Submissions (2):

Institute of Molecular and Cell Biology, University of Tartu
No classification provided. Condition: Preeclampsia. Review status: no classification provided. Collection method: case-control. Allele origin: unknown. Affected: yes. Study: Kasak2014.
Comment: The study aimed to determine the contribution of copy number variants in the genetic etiology of normal and complicated pregnancies. The samples represented (i) maternal blood DNA drawn from healthy pregnant women during 1st or 2nd trimester and (ii) maternal and paternal blood DNA drawn at term pregnancy cases representing normal and complicated gestations (severe preeclampsia, PE; gestational diabetes, GD; small-for-gestational age newborn, SGA; large-for-gestational age newborn, LGA). We performed CNV calling based on genome-wide genotyping dataset (Illumina HumanOmniExpress-24-v1 BeadChip) by applying three algorithms, QuantiSNP, GADA (Genome Alteration Detection Algorithm) and CNstream in parallel. The acquired CNV calls were merged with HD-CNV (Hotspot Detector for Copy Number Variants) program and only the CNVs predicted by at least two programs, were considered in subsequent analysis.

Institute of Molecular and Cell Biology, University of Tartu
No classification provided. Condition: Large for gestational age. Review status: no classification provided. Collection method: case-control. Allele origin: unknown. Affected: yes. Study: Kasak2014.
Comment: the same text as in the submission from Institute of Molecular and Cell Biology, University of Tartu above.

Literature cited by the submitters: PubMed 25666259.